The following is an entry in ClinVar:

ClinVar aggregate classification (germline): Uncertain significance (1 of 4 stars; one submission).

Allele frequency attached by ClinVar (database versions not stated): gnomAD exomes 0.00001; gnomAD 0.00002.
gnomAD v4.1: 24 of 1,613,926 alleles (0.0015%); highest among the groups gnomAD compares: Non-Finnish European, 0.0019%; no homozygotes.

Submission:

Labcorp Genetics (formerly Invitae), Labcorp
Classification: Uncertain significance. Last evaluated: 2022-08-16. Review status: criteria provided, single submitter. Criteria: Invitae Variant Classification Sherloc (09022015). Collection method: clinical testing. Allele origin: germline.
Comment: This sequence change replaces isoleucine, which is neutral and non-polar, with serine, which is neutral and polar, at codon 878 of the ERBIN protein (p.Ile878Ser). This variant is present in population databases (no rsID available, gnomAD 0.0009%). This variant has not been reported in the literature in individuals affected with ERBIN-related conditions. ClinVar contains an entry for this variant (Variation ID: 1496667). In summary, the available evidence is currently insufficient to determine the role of this variant in disease. Therefore, it has been classified as a Variant of Uncertain Significance. Algorithms developed to predict the effect of missense changes on protein structure and function (SIFT, PolyPhen-2, Align-GVGD) all suggest that this variant is likely to be tolerated.

NM_001253697.2(ERBIN):c.2633T>G (p.Ile878Ser)

Gene: ERBIN (erbb2 interacting protein; plus strand). Cytogenetic location: 5q12.3.
Variant type: single nucleotide variant.
Coding change: c.2633T>G on transcript NM_001253697.2 (MANE Select); coding-DNA position 2633, T replaced by G.
Protein change: p.Ile878Ser; replaces isoleucine 878 with serine.
Molecular consequence: missense variant.
Genome position (GRCh38, 1-based): chr5:66,053,951, T>G. VCF-style: chr5-66053951-T-G. GRCh37 (hg19) VCF-style: chr5-65349779-T-G.
Other names: c.2633T>G, p.Ile878Ser (NM_001006600.3, NM_001253698.2, NM_001253699.2 and 1 more transcripts); c.2621T>G, p.Ile874Ser (NM_001253701.2); short protein forms I874S, I878S.
Identifiers: ClinVar variation 1496667 (VCV001496667.8), dbSNP rs1214937996, ClinGen allele CA359867300.